The following is an entry in ClinVar:

NM_000548.5(TSC2):c.1881C>T (p.His627=)

Gene: TSC2 (TSC complex subunit 2; plus strand). Cytogenetic location: 16p13.3.
Variant type: single nucleotide variant.
Coding change: c.1881C>T on transcript NM_000548.5 (MANE Select); coding-DNA position 1881, C replaced by T.
Protein change: p.His627=; no amino-acid change (histidine 627 retained).
Molecular consequence: synonymous variant. On other transcripts: non-coding transcript variant (5).
Genome position (GRCh38, 1-based): chr16:2,071,551, C>T. VCF-style: chr16-2071551-C-T. GRCh37 (hg19) VCF-style: chr16-2121552-C-T.
Other names: c.1881C>T, p.His627= (NM_001077183.3, NM_001114382.3, NM_001363528.2 and 6 more transcripts); c.1770C>T, p.His590= (NM_001318827.2, NM_001406670.1, NM_001406678.1); c.1734C>T, p.His578= (NM_001318829.2, NM_001406675.1, NM_001406676.1 and 1 more transcripts); c.1281C>T, p.His427= (NM_001318831.2, NM_001406680.1, NM_001406682.1 and 6 more transcripts); c.1914C>T, p.His638= (NM_001318832.2); c.1971C>T, p.His657= (NM_001406667.1, NM_001406668.1); c.1869C>T, p.His623= (NM_001406671.1, NM_001406673.1); c.1824C>T, p.His608= (NM_001406677.1); and 3 more.
Identifiers: ClinVar variation 2898149 (VCV002898149.5), dbSNP rs967430707, ClinGen allele CA492950314.

ClinVar aggregate classification (germline): Benign/Likely benign. Review status: criteria provided, multiple submitters, no conflicts (2 of 4 stars). 3 submissions from 3 submitters: Benign (1); Likely benign (2). Last evaluated 2026-03-04.

Conditions:
Tuberous sclerosis 2 (TSC2). Identifiers: Orphanet 805, MedGen C1860707, MONDO:0013199, OMIM 613254.
Hereditary cancer-predisposing syndrome. Also called: Tumor predisposition; Neoplastic Syndromes, Hereditary; Hereditary Cancer Syndrome; Hereditary neoplastic syndrome. Identifiers: Orphanet 140162, MedGen C0027672, MeSH D009386, MONDO:0015356.

Submissions (3):

Ambry Genetics
Classification: Likely benign for Hereditary cancer-predisposing syndrome. Last evaluated: 2026-03-04. Review status: criteria provided, single submitter. Criteria: Ambry Variant Classification Scheme 2023. Collection method: clinical testing. Allele origin: germline.

Labcorp Genetics (formerly Invitae), Labcorp
Classification: Likely benign for Tuberous sclerosis 2. Last evaluated: 2025-05-28. Review status: criteria provided, single submitter. Criteria: Invitae Variant Classification Sherloc (09022015). Collection method: clinical testing. Allele origin: germline.

Myriad Genetics, Inc.
Classification: Benign for Tuberous sclerosis 2. Last evaluated: 2025-05-16. Review status: criteria provided, single submitter. Criteria: Myriad Autosomal Dominant, Autosomal Recessive and X-Linked Classification Criteria (2023). Collection method: clinical testing. Allele origin: unknown.
Comment: This variant is considered benign. This variant is a silent/synonymous amino acid change and it is not expected to impact splicing.